The following is an entry in ClinVar:

NM_015331.3(NCSTN):c.323T>C (p.Met108Thr)

Gene: NCSTN (nicastrin; plus strand). Cytogenetic location: 1q23.2.
Variant type: single nucleotide variant.
Coding change: c.323T>C on transcript NM_015331.3 (MANE Select); coding-DNA position 323, T replaced by C.
Protein change: p.Met108Thr; replaces methionine 108 with threonine.
Molecular consequence: missense variant.
Genome position (GRCh38, 1-based): chr1:160,349,557, T>C. VCF-style: chr1-160349557-T-C. GRCh37 (hg19) VCF-style: chr1-160319347-T-C.
Other names: c.263T>C, p.Met88Thr (NM_001290184.2); c.323T>C, p.Met108Thr (NM_001290186.2, NM_001349729.2); c.323T>C (NM_015331.2); short protein forms M108T, M88T.
Identifiers: ClinVar variation 2909473 (VCV002909473.4), dbSNP rs1648716038, ClinGen allele CA343277104.
Genomic context (GRCh38, chr1:160,349,557, plus strand): 5'-GGCTGTCTGATACCTTCCTGTGTTCCTTCATGGAATTCCTTTCCTATTCCAGGGATTTAA[T>C]GGAGAAGCTGAAAGGGAGAACCAGCCGAATTGCTGGTCTTGCAGTGTCCTTGACCAAGCC-3'
Protein context (NP_056146.1, residues 98-118): LESKHFTRDL[Met108Thr]EKLKGRTSRI

ClinVar aggregate classification (germline): Uncertain significance. Review status: criteria provided, multiple submitters, no conflicts (2 of 4 stars). 2 submissions from 2 submitters: Uncertain significance (2). Last evaluated 2026-02-16.

Conditions:
Inborn genetic diseases. Identifiers: MedGen C0950123, MeSH D030342.

Allele frequency attached by ClinVar (database versions not stated): gnomAD 0.00001; TOPMed 0.00003.

Submissions (2):

Ambry Genetics
Classification: Uncertain significance for Inborn genetic diseases. Last evaluated: 2026-02-16. Review status: criteria provided, single submitter. Criteria: Ambry Variant Classification Scheme 2023. Collection method: clinical testing. Allele origin: germline.

Labcorp Genetics (formerly Invitae), Labcorp
Classification: Uncertain significance. Last evaluated: 2025-01-06. Review status: criteria provided, single submitter. Criteria: Invitae Variant Classification Sherloc (09022015). Collection method: clinical testing. Allele origin: germline.
Comment: This sequence change replaces methionine, which is neutral and non-polar, with threonine, which is neutral and polar, at codon 108 of the NCSTN protein (p.Met108Thr). This variant is not present in population databases (gnomAD no frequency). This variant has not been reported in the literature in individuals affected with NCSTN-related conditions. ClinVar contains an entry for this variant (Variation ID: 2909473). Invitae Evidence Modeling of protein sequence and biophysical properties (such as structural, functional, and spatial information, amino acid conservation, physicochemical variation, residue mobility, and thermodynamic stability) indicates that this missense variant is expected to disrupt NCSTN protein function with a positive predictive value of 80%. In summary, the available evidence is currently insufficient to determine the role of this variant in disease. Therefore, it has been classified as a Variant of Uncertain Significance.